The following is an entry in ClinVar:

ClinVar aggregate classification (germline): Uncertain significance (1 of 4 stars; one submission).

Submission:

Labcorp Genetics (formerly Invitae), Labcorp
Classification: Uncertain significance. Last evaluated: 2022-05-13. Review status: criteria provided, single submitter. Criteria: Invitae Variant Classification Sherloc (09022015). Collection method: clinical testing. Allele origin: germline.
Comment: In summary, the available evidence is currently insufficient to determine the role of this variant in disease. Therefore, it has been classified as a Variant of Uncertain Significance. Algorithms developed to predict the effect of missense changes on protein structure and function output the following: SIFT: "Tolerated"; PolyPhen-2: "Not Available"; Align-GVGD: "Class C0". The threonine amino acid residue is found in multiple mammalian species, which suggests that this missense change does not adversely affect protein function. This variant has not been reported in the literature in individuals affected with KMT2B-related conditions. This variant is not present in population databases (gnomAD no frequency). This sequence change replaces alanine, which is neutral and non-polar, with threonine, which is neutral and polar, at codon 743 of the KMT2B protein (p.Ala743Thr).

NM_014727.3(KMT2B):c.2227G>A (p.Ala743Thr)

Gene: KMT2B (lysine methyltransferase 2B; plus strand). Cytogenetic location: 19q13.12.
Variant type: single nucleotide variant.
Coding change: c.2227G>A on transcript NM_014727.3 (MANE Select); coding-DNA position 2227, G replaced by A.
Protein change: p.Ala743Thr; replaces alanine 743 with threonine.
Molecular consequence: missense variant.
Genome position (GRCh38, 1-based): chr19:35,721,574, G>A. VCF-style: chr19-35721574-G-A. GRCh37 (hg19) VCF-style: chr19-36212476-G-A.
Other names: short protein forms A743T.
Identifiers: ClinVar variation 2124646 (VCV002124646.4), dbSNP rs2513318581, ClinGen allele CA405397169.